The following is an entry in ClinVar:

NM_000093.5(COL5A1):c.5162A>G (p.Asn1721Ser)

Genes: COL5A1 (collagen type V alpha 1 chain; plus strand), LOC101448202 (uncharacterized LOC101448202; minus strand). Cytogenetic location: 9q34.3.
Variant type: single nucleotide variant.
Coding change: c.5162A>G on transcript NM_000093.5 (MANE Select); coding-DNA position 5162, A replaced by G.
Protein change: p.Asn1721Ser; replaces asparagine 1721 with serine.
Molecular consequence: missense variant.
Genome position (GRCh38, 1-based): chr9:134,834,996, A>G. VCF-style: chr9-134834996-A-G. GRCh37 (hg19) VCF-style: chr9-137726842-A-G.
Other names: c.5162A>G, p.Asn1721Ser (NM_001278074.1); c.5162A>G (NM_000093.3); short protein forms N1721S.
Identifiers: ClinVar variation 459709 (VCV000459709.11), dbSNP rs1482037877, ClinGen allele CA375460304.
Genomic context (GRCh38, chr9:134,834,996, plus strand): 5'-CACCCTGCTGAGCCCCAACACCCCTGTCCCCCCAGCTCTCCTATGTGGACGCCGAGGGCA[A>G]CCCTGTGGGTGTGGTACAGATGACCTTCCTGCGGCTGCTGAGCGCCTCTGCCCACCAGAA-3'
Protein context (NP_000084.3, residues 1711-1731): KLLSYVDAEG[Asn1721Ser]PVGVVQMTFL

ClinVar aggregate classification (germline): Conflicting classifications of pathogenicity. Review status: criteria provided, conflicting classifications (1 of 4 stars). 2 submissions from 2 submitters: Uncertain significance (1); Likely benign (1). Last evaluated 2026-05-24.

Conditions:
Ehlers-Danlos syndrome, classic type, 1 (EDSCL1). Also called: EHLERS-DANLOS SYNDROME, GRAVIS TYPE; EHLERS-DANLOS SYNDROME, SEVERE CLASSIC TYPE; EDS I; Ehlers-Danlos Syndrome, Classic Type, COL5A1-Related; Ehlers-Danlos syndrome, type 1. Identifiers: MedGen C0268335, MONDO:0019567, OMIM 130000.
Familial thoracic aortic aneurysm and aortic dissection (TAAD). Also called: Thoracic aortic aneurysms and dissections. Identifiers: Orphanet 91387, MedGen C4707243, MONDO:0019625.

Allele frequency attached by ClinVar (database versions not stated): gnomAD exomes below 0.00001.
gnomAD v4.1: 5 of 1,613,596 alleles (0.00031%); highest among the groups gnomAD compares: Non-Finnish European, 0.00042%; no homozygotes.

Submissions (2):

Ambry Genetics
Classification: Uncertain significance for Familial thoracic aortic aneurysm and aortic dissection. Last evaluated: 2026-05-24. Review status: criteria provided, single submitter. Criteria: Ambry Variant Classification Scheme 2023. Collection method: clinical testing. Allele origin: germline.
Comment: The p.N1721S variant (also known as c.5162A>G), located in coding exon 65 of the COL5A1 gene, results from an A to G substitution at nucleotide position 5162. The asparagine at codon 1721 is replaced by serine, an amino acid with highly similar properties. This amino acid position is conserved. In addition, this alteration is predicted to be tolerated by in silico analysis. Based on the available evidence, the clinical significance of this variant remains unclear.

Labcorp Genetics (formerly Invitae), Labcorp
Classification: Likely benign for Ehlers-Danlos syndrome, classic type, 1. Last evaluated: 2026-01-26. Review status: criteria provided, single submitter. Criteria: Invitae Variant Classification Sherloc (09022015). Collection method: clinical testing. Allele origin: germline.